The following is an entry in ClinVar:

ClinVar aggregate classification (germline): Uncertain significance (1 of 4 stars; one submission).

Conditions:
TAOK2-related disorder. Also called: TAOK2-related condition.

Submission:

PreventionGenetics, part of Exact Sciences
Classification: Uncertain significance for TAOK2-related condition. Last evaluated: 2026-01-21. Review status: criteria provided, single submitter. Criteria: ACMG Guidelines, 2015. Collection method: clinical testing. Allele origin: germline.
Comment: The TAOK2 c.3010C>T variant is predicted to result in premature protein termination (p.Gln1004*). This variant is located in the final exon of TAOK2 and results in the loss of the last 45 amino acids. To our knowledge, this variant has not been reported in the literature or in a large population database (gnomAD), indicating this variant is rare. Loss-of-function has not been established as a disease mechanism for this gene. At this time, the clinical significance of this variant is uncertain due to the absence of conclusive functional and genetic evidence.

NM_004783.4(TAOK2):c.3010C>T (p.Gln1004Ter)

Gene: TAOK2 (TAO kinase 2; plus strand). Cytogenetic location: 16p11.2.
Variant type: single nucleotide variant.
Coding change: c.3010C>T on transcript NM_004783.4; coding-DNA position 3010, C replaced by T.
Protein change: p.Gln1004Ter; replaces glutamine 1004 with a stop codon.
Molecular consequence: nonsense.
Genome position (GRCh38, 1-based): chr16:29,991,428, C>T. VCF-style: chr16-29991428-C-T. GRCh37 (hg19) VCF-style: chr16-30002749-C-T.
Other names: short protein forms Q1004*.
Identifiers: ClinVar variation 4993000 (VCV004993000.1).